The following is an entry in ClinVar:

NM_002528.7(NTHL1):c.428T>C (p.Met143Thr)

Gene: NTHL1 (nth like DNA glycosylase 1; minus strand). Cytogenetic location: 16p13.3.
Variant type: single nucleotide variant.
Coding change: c.428T>C on transcript NM_002528.7 (MANE Select); coding-DNA position 428, T replaced by C.
Protein change: p.Met143Thr; replaces methionine 143 with threonine.
Molecular consequence: missense variant. On other transcripts: intron variant (1).
Genome position (GRCh38, 1-based): chr16:2,044,727, A>G on the plus strand (T>C on the coding strand, the complement: NTHL1 is on the minus strand). VCF-style: chr16-2044727-A-G. GRCh37 (hg19) VCF-style: chr16-2094728-A-G.
Other names: c.98T>C, p.Met33Thr (NM_001318194.2); c.355-1001T>C (NM_001318193.2); short protein forms M143T, M33T.
Identifiers: ClinVar variation 824978 (VCV000824978.15), dbSNP rs759156239, ClinGen allele CA394294380.

ClinVar aggregate classification (germline): Uncertain significance. Review status: criteria provided, multiple submitters, no conflicts (2 of 4 stars). 2 submissions from 2 submitters: Uncertain significance (2). Last evaluated 2025-02-04.

Conditions:
Hereditary cancer-predisposing syndrome. Also called: Neoplastic Syndromes, Hereditary; Tumor predisposition; Hereditary neoplastic syndrome; Hereditary Cancer Syndrome. Identifiers: Orphanet 140162, MedGen C0027672, MeSH D009386, MONDO:0015356.

Submissions (2):

Labcorp Genetics (formerly Invitae), Labcorp
Classification: Uncertain significance. Last evaluated: 2025-02-04. Review status: criteria provided, single submitter. Criteria: Invitae Variant Classification Sherloc (09022015). Collection method: clinical testing. Allele origin: germline.
Comment: This sequence change replaces methionine, which is neutral and non-polar, with threonine, which is neutral and polar, at codon 151 of the NTHL1 protein (p.Met151Thr). This variant is present in population databases (no rsID available, gnomAD 0.01%). This variant has not been reported in the literature in individuals affected with NTHL1-related conditions. ClinVar contains an entry for this variant (Variation ID: 824978). An algorithm developed to predict the effect of missense changes on protein structure and function (PolyPhen-2) suggests that this variant is likely to be disruptive. In summary, the available evidence is currently insufficient to determine the role of this variant in disease. Therefore, it has been classified as a Variant of Uncertain Significance.

Ambry Genetics
Classification: Uncertain significance for Hereditary cancer-predisposing syndrome. Last evaluated: 2024-06-26. Review status: criteria provided, single submitter. Criteria: Ambry Variant Classification Scheme 2023. Collection method: clinical testing. Allele origin: germline.
Comment: The p.M151T variant (also known as c.452T>C), located in coding exon 3 of the NTHL1 gene, results from a T to C substitution at nucleotide position 452. The methionine at codon 151 is replaced by threonine, an amino acid with similar properties. This amino acid position is highly conserved in available vertebrate species. In addition, this alteration is predicted to be deleterious by in silico analysis. Since supporting evidence is limited at this time, the clinical significance of this alteration remains unclear.